The following is an entry in ClinVar:

NM_016222.4(DDX41):c.253G>T (p.Val85Phe)

Gene: DDX41 (DEAD-box helicase 41; minus strand). Cytogenetic location: 5q35.3.
Variant type: single nucleotide variant.
Coding change: c.253G>T on transcript NM_016222.4 (MANE Select); coding-DNA position 253, G replaced by T.
Protein change: p.Val85Phe; replaces valine 85 with phenylalanine.
Molecular consequence: missense variant. On other transcripts: 5 prime UTR variant (2).
Genome position (GRCh38, 1-based): chr5:177,516,333, C>A on the plus strand (G>T on the coding strand, the complement: DDX41 is on the minus strand). VCF-style: chr5-177516333-C-A. GRCh37 (hg19) VCF-style: chr5-176943334-C-A.
Other names: c.-126G>T (NM_001321732.2, NM_001321830.2); c.253G>T (NM_016222.2); short protein forms V85F.
Identifiers: ClinVar variation 978207 (VCV000978207.3), dbSNP rs773991873, ClinGen allele CA3585295.

ClinVar aggregate classification (germline): Uncertain significance. Review status: criteria provided, single submitter (1 of 4 stars). 2 submissions from 2 submitters: Uncertain significance (1). 1 of the submissions does not count toward it. Last evaluated 2024-12-12.

Conditions:
Inborn genetic diseases. Identifiers: MedGen C0950123, MeSH D030342.
Aplastic anemia. Identifiers: Orphanet 182040, Orphanet 88, MedGen C0002874, MONDO:0015909, OMIM 609135, HP:0001915.

Allele frequency attached by ClinVar (database versions not stated): gnomAD exomes below 0.00001; ExAC 0.00001; gnomAD 0.00001 and 0.00002; TOPMed 0.00001.
gnomAD v4.1: 3 of 1,614,048 alleles (0.00019%); highest among the groups gnomAD compares: African/African-American, 0.004%; no homozygotes.

Submissions (2):

Ambry Genetics
Classification: Uncertain significance for Inborn genetic diseases. Last evaluated: 2024-12-12. Review status: criteria provided, single submitter. Criteria: Ambry Variant Classification Scheme 2023. Collection method: clinical testing. Allele origin: germline.
Comment: The p.V85F variant (also known as c.253G>T), located in coding exon 3 of the DDX41 gene, results from a G to T substitution at nucleotide position 253. The valine at codon 85 is replaced by phenylalanine, an amino acid with highly similar properties. This amino acid position is conserved. In addition, this alteration is predicted to be tolerated by in silico analysis. Based on the available evidence, the clinical significance of this variant remains unclear.

Bone Marrow Failure laboratory, Queen Mary University London
Classification: Uncertain significance for Aplastic anemia. Last evaluated: 2020-08-28. Review status: no assertion criteria provided. Collection method: research. Allele origin: unknown. Affected: yes. Not counted in ClinVar's aggregate classification.
Comment: The following ACMG/AMP criteria was used: BP4